The following is an entry in ClinVar:

NM_020987.5(ANK3):c.6371C>T (p.Pro2124Leu)

Gene: ANK3 (ankyrin 3; minus strand). Cytogenetic location: 10q21.2.
Variant type: single nucleotide variant.
Coding change: c.6371C>T on transcript NM_020987.5 (MANE Select); coding-DNA position 6371, C replaced by T.
Protein change: p.Pro2124Leu; replaces proline 2124 with leucine.
Molecular consequence: missense variant. On other transcripts: intron variant (4).
Genome position (GRCh38, 1-based): chr10:60,074,510, G>A on the plus strand (C>T on the coding strand, the complement: ANK3 is on the minus strand). VCF-style: chr10-60074510-G-A. GRCh37 (hg19) VCF-style: chr10-61834268-G-A.
Other names: c.4387+6027C>T (NM_001204403.2); c.4408+6027C>T (NM_001204404.2); c.4405+6027C>T (NM_001320874.2); c.1807+6027C>T (NM_001149.4); short protein forms P2124L.
Identifiers: ClinVar variation 4071892 (VCV004071892.1).

ClinVar aggregate classification (germline): Uncertain significance (1 of 4 stars; one submission).

Submission:

GeneDx
Classification: Uncertain significance. Last evaluated: 2025-01-27. Review status: criteria provided, single submitter. Criteria: GeneDx Variant Classification Process June 2021. Collection method: clinical testing. Allele origin: germline. Affected: yes.
Comment: Not observed at significant frequency in large population cohorts (gnomAD); In silico analysis supports that this missense variant has a deleterious effect on protein structure/function; Has not been previously published as pathogenic or benign to our knowledge